The following is an entry in ClinVar:

ClinVar aggregate classification (germline): Uncertain significance (1 of 4 stars; one submission).

Conditions:
Hypertrophic cardiomyopathy. Also called: HYPERTROPHIC MYOCARDIOPATHY. Identifiers: Orphanet 217569, MedGen C0007194, MeSH D002312, MONDO:0005045, HP:0001639.

gnomAD v4.1: 1 of 1,606,108 alleles (0.000062%); highest among the groups gnomAD compares: Non-Finnish European, 0.000085%; no homozygotes.

Submission:

Labcorp Genetics (formerly Invitae), Labcorp
Classification: Uncertain significance for Hypertrophic cardiomyopathy. Last evaluated: 2025-03-18. Review status: criteria provided, single submitter. Criteria: Invitae Variant Classification Sherloc (09022015). Collection method: clinical testing. Allele origin: germline.
Comment: This sequence change falls in intron 37 of the MYH7 gene. It does not directly change the encoded amino acid sequence of the MYH7 protein. It affects a nucleotide within the consensus splice site. This variant is not present in population databases (gnomAD no frequency). This variant has not been reported in the literature in individuals affected with MYH7-related conditions. Variants that disrupt the consensus splice site are a relatively common cause of aberrant splicing (PMID: 17576681, 9536098). Algorithms developed to predict the effect of sequence changes on RNA splicing suggest that this variant is not likely to affect RNA splicing. In summary, the available evidence is currently insufficient to determine the role of this variant in disease. Therefore, it has been classified as a Variant of Uncertain Significance.

Literature cited by the submitters: PubMed 17576681; PubMed 9536098.

NM_000257.4(MYH7):c.5559+4C>G

Gene: MYH7 (myosin heavy chain 7; minus strand). Cytogenetic location: 14q11.2.
Variant type: single nucleotide variant.
Coding change: c.5559+4C>G on transcript NM_000257.4 (MANE Select); 4 bases into the intron after coding-DNA position 5559, C replaced by G.
Molecular consequence: intron variant.
Genome position (GRCh38, 1-based): chr14:23,414,991, G>C on the plus strand (C>G on the coding strand, the complement: MYH7 is on the minus strand). VCF-style: chr14-23414991-G-C. GRCh37 (hg19) VCF-style: chr14-23884200-G-C.
Other names: c.5559+4C>G (NM_001407004.1).
Identifiers: ClinVar variation 4711650 (VCV004711650.1).